The following is an entry in ClinVar:

NM_021930.6(RINT1):c.1502G>A (p.Arg501Gln)

Gene: RINT1 (RAD50 interactor 1; plus strand). Cytogenetic location: 7q22.3.
Variant type: single nucleotide variant.
Coding change: c.1502G>A on transcript NM_021930.6 (MANE Select); coding-DNA position 1502, G replaced by A.
Protein change: p.Arg501Gln; replaces arginine 501 with glutamine.
Molecular consequence: missense variant.
Genome position (GRCh38, 1-based): chr7:105,555,058, G>A. VCF-style: chr7-105555058-G-A. GRCh37 (hg19) VCF-style: chr7-105195505-G-A.
Other names: c.1268G>A, p.Arg423Gln (NM_001346599.2); c.479G>A, p.Arg160Gln (NM_001346600.2, NM_001346603.2); c.578G>A, p.Arg193Gln (NM_001346601.2); short protein forms R193Q, R423Q, R160Q, R501Q.
Identifiers: ClinVar variation 660616 (VCV000660616.9), dbSNP rs1586250404, ClinGen allele CA368811295.

ClinVar aggregate classification (germline): Uncertain significance. Review status: criteria provided, multiple submitters, no conflicts (2 of 4 stars). 2 submissions from 2 submitters: Uncertain significance (2). Last evaluated 2025-09-26.

Allele frequency attached by ClinVar (database versions not stated): gnomAD exomes below 0.00001; gnomAD 0.00001.
gnomAD v4.1: 8 of 1,613,684 alleles (0.0005%); highest among the groups gnomAD compares: Non-Finnish European, 0.00051%; no homozygotes.

Submissions (2):

Ambry Genetics
Classification: Uncertain significance. Last evaluated: 2025-09-26. Review status: criteria provided, single submitter. Criteria: Ambry Variant Classification Scheme 2023. Collection method: clinical testing. Allele origin: germline.
Comment: The p.R501Q variant (also known as c.1502G>A), located in coding exon 11 of the RINT1 gene, results from a G to A substitution at nucleotide position 1502. The arginine at codon 501 is replaced by glutamine, an amino acid with highly similar properties. This amino acid position is conserved. In addition, this alteration is predicted to be tolerated by in silico analysis. Since supporting evidence is limited at this time, the clinical significance of this alteration remains unclear.

Labcorp Genetics (formerly Invitae), Labcorp
Classification: Uncertain significance. Last evaluated: 2021-11-12. Review status: criteria provided, single submitter. Criteria: Invitae Variant Classification Sherloc (09022015). Collection method: clinical testing. Allele origin: germline.
Comment: In summary, the available evidence is currently insufficient to determine the role of this variant in disease. Therefore, it has been classified as a Variant of Uncertain Significance. Algorithms developed to predict the effect of missense changes on protein structure and function (SIFT, PolyPhen-2, Align-GVGD) all suggest that this variant is likely to be tolerated. ClinVar contains an entry for this variant (Variation ID: 660616). This variant has not been reported in the literature in individuals affected with RINT1-related conditions. This variant is not present in population databases (gnomAD no frequency). This sequence change replaces arginine, which is basic and polar, with glutamine, which is neutral and polar, at codon 501 of the RINT1 protein (p.Arg501Gln).